The following is an entry in ClinVar:

ClinVar aggregate classification (germline): Uncertain significance. Review status: criteria provided, multiple submitters, no conflicts (2 of 4 stars). 2 submissions from 2 submitters: Uncertain significance (2). Last evaluated 2025-04-11.

Allele frequency attached by ClinVar (database versions not stated): 1000 Genomes Project 30x 0.00016; 1000 Genomes Project 0.00020.
gnomAD v4.1: 34 of 1,614,124 alleles (0.0021%); highest among the groups gnomAD compares: African/African-American, 0.028%; no homozygotes.

Submissions (2):

Labcorp Genetics (formerly Invitae), Labcorp
Classification: Uncertain significance. Last evaluated: 2025-04-11. Review status: criteria provided, single submitter. Criteria: Invitae Variant Classification Sherloc (09022015). Collection method: clinical testing. Allele origin: germline.
Comment: This sequence change replaces proline, which is neutral and non-polar, with threonine, which is neutral and polar, at codon 254 of the PCARE protein (p.Pro254Thr). This variant is present in population databases (rs192023448, gnomAD 0.04%). This variant has not been reported in the literature in individuals affected with PCARE-related conditions. ClinVar contains an entry for this variant (Variation ID: 1447240). An algorithm developed to predict the effect of missense changes on protein structure and function (PolyPhen-2) suggests that this variant is likely to be disruptive. In summary, the available evidence is currently insufficient to determine the role of this variant in disease. Therefore, it has been classified as a Variant of Uncertain Significance.

Blueprint Genetics
Classification: Uncertain significance. Last evaluated: 2022-02-14. Review status: criteria provided, single submitter. Criteria: ACMG Guidelines, 2015. Collection method: clinical testing. Allele origin: germline.

NM_001029883.3(PCARE):c.760C>A (p.Pro254Thr)

Gene: PCARE (photoreceptor cilium actin regulator; minus strand). Cytogenetic location: 2p23.2.
Variant type: single nucleotide variant.
Coding change: c.760C>A on transcript NM_001029883.3 (MANE Select); coding-DNA position 760, C replaced by A.
Protein change: p.Pro254Thr; replaces proline 254 with threonine.
Molecular consequence: missense variant.
Genome position (GRCh38, 1-based): chr2:29,073,502, G>T on the plus strand (C>A on the coding strand, the complement: PCARE is on the minus strand). VCF-style: chr2-29073502-G-T. GRCh37 (hg19) VCF-style: chr2-29296368-G-T.
Other names: short protein forms P254T.
Identifiers: ClinVar variation 1447240 (VCV001447240.7), dbSNP rs192023448, ClinGen allele CA1592575.